The following is an entry in ClinVar:

ClinVar aggregate classification (germline): Uncertain significance (1 of 4 stars; one submission).

gnomAD v4.1: 44 of 1,571,604 alleles (0.0028%); highest among the groups gnomAD compares: Non-Finnish European, 0.0034%; no homozygotes.

Submission:

Labcorp Genetics (formerly Invitae), Labcorp
Classification: Uncertain significance. Last evaluated: 2024-06-03. Review status: criteria provided, single submitter. Criteria: Invitae Variant Classification Sherloc (09022015). Collection method: clinical testing. Allele origin: germline.
Comment: This sequence change replaces glycine, which is neutral and non-polar, with cysteine, which is neutral and slightly polar, at codon 445 of the PEPD protein (p.Gly445Cys). The frequency data for this variant in the population databases is considered unreliable, as metrics indicate poor data quality at this position in the gnomAD database. This variant has not been reported in the literature in individuals affected with PEPD-related conditions. Advanced modeling of protein sequence and biophysical properties (such as structural, functional, and spatial information, amino acid conservation, physicochemical variation, residue mobility, and thermodynamic stability) has been performed at Invitae for this missense variant, however the output from this modeling did not meet the statistical confidence thresholds required to predict the impact of this variant on PEPD protein function. In summary, the available evidence is currently insufficient to determine the role of this variant in disease. Therefore, it has been classified as a Variant of Uncertain Significance.

NM_000285.4(PEPD):c.1333G>T (p.Gly445Cys)

Gene: PEPD (peptidase D; minus strand). Cytogenetic location: 19q13.11.
Variant type: single nucleotide variant.
Coding change: c.1333G>T on transcript NM_000285.4 (MANE Select); coding-DNA position 1333, G replaced by T.
Protein change: p.Gly445Cys; replaces glycine 445 with cysteine.
Molecular consequence: missense variant.
Genome position (GRCh38, 1-based): chr19:33,387,901, C>A on the plus strand (G>T on the coding strand, the complement: PEPD is on the minus strand). VCF-style: chr19-33387901-C-A. GRCh37 (hg19) VCF-style: chr19-33878807-C-A.
Other names: c.1210G>T, p.Gly404Cys (NM_001166056.2); c.1141G>T, p.Gly381Cys (NM_001166057.2); short protein forms G381C, G445C, G404C.
Identifiers: ClinVar variation 3702681 (VCV003702681.2).